The following is an entry in ClinVar:

ClinVar aggregate classification (germline): Uncertain significance (1 of 4 stars; one submission).

Conditions:
Charcot-Marie-Tooth disease type 4. Also called: Charcot-Marie-Tooth disease, type IV; Charcot-Marie-Tooth, Type 4. Identifiers: Orphanet 64749, MedGen C4082197, MONDO:0018995.

Allele frequency attached by ClinVar (database versions not stated): ExAC 0.00001; gnomAD 0.00001; gnomAD exomes 0.00001; 1000 Genomes Project 30x 0.00016; 1000 Genomes Project 0.00020.
gnomAD v4.1: 3 of 1,614,190 alleles (0.00019%); highest among the groups gnomAD compares: South Asian, 0.0011%; no homozygotes.

Submission:

Labcorp Genetics (formerly Invitae), Labcorp
Classification: Uncertain significance for Charcot-Marie-Tooth disease type 4. Last evaluated: 2021-10-03. Review status: criteria provided, single submitter. Criteria: Invitae Variant Classification Sherloc (09022015). Collection method: clinical testing. Allele origin: germline.
Comment: In summary, the available evidence is currently insufficient to determine the role of this variant in disease. Therefore, it has been classified as a Variant of Uncertain Significance. Algorithms developed to predict the effect of missense changes on protein structure and function output the following: SIFT: "Tolerated"; PolyPhen-2: "Benign"; Align-GVGD: "Class C0". The threonine amino acid residue is found in multiple mammalian species, which suggests that this missense change does not adversely affect protein function. This variant has not been reported in the literature in individuals affected with SBF2-related conditions. This variant is present in population databases (rs527347035, ExAC 0.006%). This sequence change replaces alanine with threonine at codon 1351 of the SBF2 protein (p.Ala1351Thr). The alanine residue is moderately conserved and there is a small physicochemical difference between alanine and threonine.

NM_030962.4(SBF2):c.4051G>A (p.Ala1351Thr)

Gene: SBF2 (SET binding factor 2; minus strand). Cytogenetic location: 11p15.4.
Variant type: single nucleotide variant.
Coding change: c.4051G>A on transcript NM_030962.4 (MANE Select); coding-DNA position 4051, G replaced by A.
Protein change: p.Ala1351Thr; replaces alanine 1351 with threonine.
Molecular consequence: missense variant.
Genome position (GRCh38, 1-based): chr11:9,812,636, C>T on the plus strand (G>A on the coding strand, the complement: SBF2 is on the minus strand). VCF-style: chr11-9812636-C-T. GRCh37 (hg19) VCF-style: chr11-9834183-C-T.
Other names: c.4147G>A, p.Ala1383Thr (NM_001386339.1); c.3922G>A, p.Ala1308Thr (NM_001386342.1); short protein forms A1308T, A1351T, A1383T.
Identifiers: ClinVar variation 1353584 (VCV001353584.6), dbSNP rs527347035, ClinGen allele CA5881073.
Genomic context (GRCh38, chr11:9,812,636, plus strand): 5'-CTTCTGAGTCAGTAGGGATGGTGCTTGGGATACAAGCCCTCATCAGCTTCTTAAAACTGG[C>T]TTTCACTTGCCGGATTTCATGAAATTCAACAGGAACAAACTCACAATTTAAAGCAAATTC-3'
Protein context (NP_112224.1, residues 1341-1361): VEFHEIRQVK[Ala1351Thr]SFKKLMRACI